The following is an entry in ClinVar:

NM_004369.4(COL6A3):c.675G>C (p.Arg225Ser)

Gene: COL6A3 (collagen type VI alpha 3 chain; minus strand). Cytogenetic location: 2q37.3.
Variant type: single nucleotide variant.
Coding change: c.675G>C on transcript NM_004369.4 (MANE Select); coding-DNA position 675, G replaced by C.
Protein change: p.Arg225Ser; replaces arginine 225 with serine.
Molecular consequence: missense variant. On other transcripts: intron variant (4).
Genome position (GRCh38, 1-based): chr2:237,394,621, C>G on the plus strand (G>C on the coding strand, the complement: COL6A3 is on the minus strand). VCF-style: chr2-237394621-C-G. GRCh37 (hg19) VCF-style: chr2-238303264-C-G.
Other names: c.91+2106G>C (NM_057166.5, NM_057167.4, NM_057164.5 and 1 more transcripts); short protein forms R225S.
Identifiers: ClinVar variation 1476993 (VCV001476993.6), dbSNP rs1330724943, ClinGen allele CA351226521.
Genomic context (GRCh38, chr2:237,394,621, plus strand): 5'-GCGTAGCTTGGTGGCGTTGCCATTACCTGTGATGTCTTTAAGGGTTTCCGTGTCCCCAGC[C>G]CTTTCTGGACTCACGGATGAATGCACACAGGACACTAAGTTTCCTACTATGTCATGAAGT-3'
Protein context (NP_004360.2, residues 215-235): SCVHSSVSPE[Arg225Ser]AGDTETLKDI

ClinVar aggregate classification (germline): Uncertain significance (1 of 4 stars; one submission).

Conditions:
Bethlem myopathy 1A. Also called: Bethlem myopathy 1; Bethlem Muscular Dystrophy; MYOPATHY, BENIGN CONGENITAL, WITH CONTRACTURES. Identifiers: Orphanet 610, MedGen CN029274, MONDO:0024530, OMIM 158810.

Allele frequency attached by ClinVar (database versions not stated): TOPMed 0.00002; gnomAD 0.00001.
gnomAD v4.1: 1 of 1,614,042 alleles (0.000062%); highest among the groups gnomAD compares: African/African-American, 0.0013%; no homozygotes.

Submission:

Labcorp Genetics (formerly Invitae), Labcorp
Classification: Uncertain significance for Bethlem myopathy 1A. Last evaluated: 2021-10-28. Review status: criteria provided, single submitter. Criteria: Invitae Variant Classification Sherloc (09022015). Collection method: clinical testing. Allele origin: germline.
Comment: In summary, the available evidence is currently insufficient to determine the role of this variant in disease. Therefore, it has been classified as a Variant of Uncertain Significance. Advanced modeling of protein sequence and biophysical properties (such as structural, functional, and spatial information, amino acid conservation, physicochemical variation, residue mobility, and thermodynamic stability) performed at Invitae indicates that this missense variant is not expected to disrupt COL6A3 protein function. This variant has not been reported in the literature in individuals affected with COL6A3-related conditions. This variant is not present in population databases (gnomAD no frequency). This sequence change replaces arginine, which is basic and polar, with serine, which is neutral and polar, at codon 225 of the COL6A3 protein (p.Arg225Ser).